The following is an entry in ClinVar:

NM_001199397.3(NEK1):c.214+6A>G

Gene: NEK1 (NIMA related kinase 1; minus strand). Cytogenetic location: 4q33.
Variant type: single nucleotide variant.
Coding change: c.214+6A>G on transcript NM_001199397.3 (MANE Select); 6 bases into the intron after coding-DNA position 214, A replaced by G.
Molecular consequence: intron variant.
Genome position (GRCh38, 1-based): chr4:169,602,002, T>C on the plus strand (A>G on the coding strand, the complement: NEK1 is on the minus strand). VCF-style: chr4-169602002-T-C. GRCh37 (hg19) VCF-style: chr4-170523153-T-C.
Other names: c.214+6A>G (NM_012224.2, NM_001199398.3, NM_001374419.1 and 8 more transcripts).
Identifiers: ClinVar variation 1316962 (VCV001316962.10), dbSNP rs375956427, ClinGen allele CA3138091.

ClinVar aggregate classification (germline): Uncertain significance. Review status: criteria provided, multiple submitters, no conflicts (2 of 4 stars). 3 submissions from 3 submitters: Uncertain significance (3). Last evaluated 2026-04-22.

Conditions:
Short-rib thoracic dysplasia 6 with or without polydactyly (SRTD6). Also called: POLYDACTYLY WITH NEONATAL CHONDRODYSTROPHY, TYPE II; Majewski Syndrome; SHORT-RIB THORACIC DYSPLASIA 6 WITH POLYDACTYLY; SHORT-RIB THORACIC DYSPLASIA 6 WITHOUT POLYDACTYLY; SHORT RIB-POLYDACTYLY SYNDROME, TYPE IIA. Identifiers: MedGen C0024507, MONDO:0009894, OMIM 263520.
NEK1-related disorder. Also called: NEK1-related condition.

Allele frequency attached by ClinVar (database versions not stated): ESP Exome Variant Server 0.00068; gnomAD exomes 0.00006 and 0.00013; ExAC 0.00014; gnomAD 0.00052 and 0.00056; TOPMed 0.00053.
gnomAD v4.1: 159 of 1,592,106 alleles (0.01%); highest among the groups gnomAD compares: African/African-American, 0.18%; no homozygotes.

Submissions (4):

PreventionGenetics, part of Exact Sciences
Classification: Uncertain significance for NEK1-related condition. Last evaluated: 2026-04-22. Review status: criteria provided, single submitter. Criteria: ACMG Guidelines, 2015. Collection method: clinical testing. Allele origin: germline.
Comment: The NEK1 c.214+6A>G variant is predicted to interfere with splicing. This variant is predicted to impact splicing based on a computational splicing prediction program; however, the impact of this variant has not been functionally validated (SpliceAI, Jaganathan et al. 2019. PubMed ID: 30661751). To our knowledge, this variant has not been reported in the literature. This variant is reported in 0.17% of alleles in individuals of African descent in gnomAD, which may be too common to be a primary cause of disease. At this time, the clinical significance of this variant is uncertain due to the absence of conclusive functional and genetic evidence.

Labcorp Genetics (formerly Invitae), Labcorp
Classification: Uncertain significance for Short-rib thoracic dysplasia 6 with or without polydactyly. Last evaluated: 2024-10-17. Review status: criteria provided, single submitter. Criteria: Invitae Variant Classification Sherloc (09022015). Collection method: clinical testing. Allele origin: germline.
Comment: This sequence change falls in intron 3 of the NEK1 gene. It does not directly change the encoded amino acid sequence of the NEK1 protein. It affects a nucleotide within the consensus splice site. This variant is present in population databases (rs375956427, gnomAD 0.2%). This variant has not been reported in the literature in individuals affected with NEK1-related conditions. ClinVar contains an entry for this variant (Variation ID: 1316962). Variants that disrupt the consensus splice site are a relatively common cause of aberrant splicing (PMID: 17576681, 9536098). Algorithms developed to predict the effect of sequence changes on RNA splicing suggest that this variant may disrupt the consensus splice site. In summary, the available evidence is currently insufficient to determine the role of this variant in disease. Therefore, it has been classified as a Variant of Uncertain Significance.

GeneDx
Classification: Uncertain significance. Last evaluated: 2024-03-27. Review status: criteria provided, single submitter. Criteria: GeneDx Variant Classification Process June 2021. Collection method: clinical testing. Allele origin: germline. Affected: yes.
Comment: In silico analysis supports a deleterious effect on splicing; Has not been previously published as pathogenic or benign to our knowledge

Dr. Peter K. Rogan Lab, Western University
No classification provided (evidence only). Condition: Sarcoma. Review status: no classification provided. Collection method: in vitro. Allele origin: not applicable. Functional consequence: retained intron. Not counted in ClinVar's aggregate classification.

Literature cited by the submitters: PubMed 17576681 (cited by Labcorp Genetics (formerly Invitae), Labcorp); PubMed 9536098 (cited by Labcorp Genetics (formerly Invitae), Labcorp).